The following is an entry in ClinVar:

NM_007078.3(LDB3):c.575C>T (p.Pro192Leu)

Gene: LDB3 (LIM domain binding 3; plus strand). Cytogenetic location: 10q23.2.
Variant type: single nucleotide variant.
Coding change: c.575C>T on transcript NM_007078.3 (MANE Select); coding-DNA position 575, C replaced by T.
Protein change: p.Pro192Leu; replaces proline 192 with leucine.
Molecular consequence: missense variant. On other transcripts: intron variant (5).
Genome position (GRCh38, 1-based): chr10:86,681,689, C>T. VCF-style: chr10-86681689-C-T. GRCh37 (hg19) VCF-style: chr10-88441446-C-T.
Other names: c.575C>T, p.Pro192Leu (NM_001080115.2, NM_001171610.2, NM_001171611.2 and 3 more transcripts); c.321+1532C>T (NM_001368068.1, NM_001368066.1, NM_001080114.2 and 2 more transcripts); c.575C>T (NM_001171610.1); short protein forms P192L.
Identifiers: ClinVar variation 373607 (VCV000373607.13), dbSNP rs758182278, ClinGen allele CA5584743.

ClinVar aggregate classification (germline): Uncertain significance. Review status: criteria provided, multiple submitters, no conflicts (2 of 4 stars). 4 submissions from 4 submitters: Uncertain significance (4). Last evaluated 2026-08-10.

Conditions:
LDB3-related disorder. Also called: LDB3-related condition.
Cardiovascular phenotype. Identifiers: MedGen CN230736.
Myofibrillar myopathy 4. Also called: Zaspopathy (type). Identifiers: Orphanet 98912, MedGen C4721886, MONDO:0012277, OMIM 609452.

Allele frequency attached by ClinVar (database versions not stated): gnomAD 0.00001; gnomAD exomes 0.00001 and 0.00003; TOPMed 0.00001; ExAC 0.00002.
gnomAD v4.1: 16 of 1,613,504 alleles (0.00099%); highest among the groups gnomAD compares: Middle Eastern, 0.033%; no homozygotes.

Submissions (4):

PreventionGenetics, part of Exact Sciences
Classification: Uncertain significance for LDB3-related condition. Last evaluated: 2026-08-10. Review status: criteria provided, single submitter. Criteria: ACMG Guidelines, 2015. Collection method: clinical testing. Allele origin: germline.
Comment: The LDB3 c.575C>T variant is predicted to result in the amino acid substitution p.Pro192Leu. To our knowledge, this variant has not been reported in the literature. This variant is reported in 0.011% of alleles in individuals of East Asian descent in gnomAD. At this time, the clinical significance of this variant is uncertain due to the absence of conclusive functional and genetic evidence.

Labcorp Genetics (formerly Invitae), Labcorp
Classification: Uncertain significance for Myofibrillar myopathy 4. Last evaluated: 2025-12-08. Review status: criteria provided, single submitter. Criteria: Invitae Variant Classification Sherloc (09022015). Collection method: clinical testing. Allele origin: germline.
Comment: The LDB3 gene has multiple clinically relevant transcripts. This variant occurs in alternate transcript NM_007078.3, and corresponds to NM_001080116.1:c.321+1532C>T in the primary transcript. This sequence change replaces proline, which is neutral and non-polar, with leucine, which is neutral and non-polar, at codon 192 of the LDB3 protein (p.Pro192Leu). This variant is present in population databases (rs758182278, gnomAD 0.007%). This variant has not been reported in the literature in individuals affected with LDB3-related conditions. ClinVar contains an entry for this variant (Variation ID: 373607). Experimental studies and prediction algorithms are not available or were not evaluated, and the functional significance of this variant is currently unknown. Algorithms developed to predict the effect of sequence changes on RNA splicing suggest that this variant is not likely to affect RNA splicing. In summary, the available evidence is currently insufficient to determine the role of this variant in disease. Therefore, it has been classified as a Variant of Uncertain Significance.

Ambry Genetics
Classification: Uncertain significance for Cardiovascular phenotype. Last evaluated: 2023-12-22. Review status: criteria provided, single submitter. Criteria: Ambry Variant Classification Scheme 2023. Collection method: clinical testing. Allele origin: germline.
Comment: The p.P192L variant (also known as c.575C>T), located in coding exon 4 of the LDB3 gene, results from a C to T substitution at nucleotide position 575. The proline at codon 192 is replaced by leucine, an amino acid with similar properties. This amino acid position is conserved. In addition, this alteration is predicted to be tolerated by in silico analysis. Since supporting evidence is limited at this time, the clinical significance of this alteration remains unclear.

GeneDx
Classification: Uncertain significance. Last evaluated: 2016-11-30. Review status: criteria provided, single submitter. Criteria: GeneDx Variant Classification (06012015). Collection method: clinical testing. Allele origin: germline. Affected: yes.
Comment: A variant of uncertain significance has been identified in the LDB3 gene. The P192L variant has not been published as a pathogenic variant, nor has it been reported as a benign variant to our knowledge. The P192L variant was not observed in approximately 6,500 individuals of European and African American ancestry in the NHLBI Exome Sequencing Project, indicating it is not a common benign variant in these populations. Additionally, P192L is a semi-conservative amino acid substitution, which may impact secondary protein structure as these residues differ in some properties. Nevertheless, this substitution occurs at a position that is not conserved across species and in silico analysis is inconsistent in its predictions as to whether or not the variant is damaging to the protein structure/function.Therefore, based on the currently available information, it is unclear whether this variant is pathogenic or rare benign.